The following is an entry in ClinVar:

ClinVar aggregate classification (germline): Uncertain significance (1 of 4 stars; one submission).

Submission:

CeGaT Center for Human Genetics Tuebingen
Classification: Uncertain significance. Last evaluated: 2023-02-01. Review status: criteria provided, single submitter. Criteria: CeGaT Center For Human Genetics Tuebingen Variant Classification Criteria Version 2. Collection method: clinical testing. Allele origin: germline. Affected: yes. Observed: 1 variant allele.
Comment: PRR12: PM2, BP3, BP5

NM_020719.3(PRR12):c.5223_5234del (p.1739EK[2])

Gene: PRR12 (proline rich 12; plus strand). Cytogenetic location: 19q13.33.
Variant type: Deletion.
Coding change: c.5223_5234del on transcript NM_020719.3 (MANE Select); coding-DNA positions 5223 to 5234, 12 bases deleted (AAAGGAGAAGGA).
Protein change: p.1739EK[2].
Molecular consequence: inframe deletion.
Genome position (GRCh38, 1-based): chr19:49,615,945-49,615,956, AAAGGAGAAGGA deleted; deleting any 12 consecutive bases within chr19:49,615,937-49,615,956 gives the same sequence; the c. name uses the placement nearest the transcript's 3' end. VCF-style (leftmost placement, unchanged base first): chr19-49615936-TGAGAAGGAAAAG-T. GRCh37 (hg19) VCF-style: chr19-50119193-TGAGAAGGAAAAG-T.
Identifiers: ClinVar variation 2650269 (VCV002650269.24), dbSNP rs2080890287, ClinGen allele CA2340496998.